The following is an entry in ClinVar:

NM_176822.4(NLRP14):c.2861T>C (p.Leu954Ser)

Gene: NLRP14 (NLR family pyrin domain containing 14; plus strand). Cytogenetic location: 11p15.4.
Variant type: single nucleotide variant.
Coding change: c.2861T>C on transcript NM_176822.4 (MANE Select); coding-DNA position 2861, T replaced by C.
Protein change: p.Leu954Ser; replaces leucine 954 with serine.
Molecular consequence: missense variant.
Genome position (GRCh38, 1-based): chr11:7,062,389, T>C. VCF-style: chr11-7062389-T-C. GRCh37 (hg19) VCF-style: chr11-7083620-T-C.
Other names: short protein forms L954S.
Identifiers: ClinVar variation 3059287 (VCV003059287.2), dbSNP rs117583918, ClinGen allele CA5865191.

ClinVar aggregate classification (germline): Benign (0 of 4 stars; one submission).

Conditions:
NLRP14-related disorder. Also called: NLRP14-related condition.

Allele frequency attached by ClinVar (database versions not stated): 1000 Genomes Project 30x 0.02061; 1000 Genomes Project 0.02157; TOPMed 0.03096; gnomAD 0.03101; ExAC 0.03147; gnomAD exomes 0.03337; ESP Exome Variant Server 0.03618.
gnomAD v4.1: 53,301 of 1,612,844 alleles (3.3%); highest among the groups gnomAD compares: Middle Eastern, 5.2%; 976 homozygotes.

Submission:

PreventionGenetics, part of Exact Sciences
Classification: Benign for NLRP14-related condition. Last evaluated: 2019-06-14. Review status: no assertion criteria provided. Collection method: clinical testing. Allele origin: germline.
Comment: This variant is classified as benign based on ACMG/AMP sequence variant interpretation guidelines (Richards et al. 2015 PMID: 25741868, with internal and published modifications).